The following is an entry in ClinVar:

NM_172107.4(KCNQ2):c.173GCGCGGGCG[1] (p.Gly61_Gly63del)

Gene: KCNQ2 (potassium voltage-gated channel subfamily Q member 2; minus strand). Cytogenetic location: 20q13.33.
Variant type: Microsatellite.
Coding change: c.173GCGCGGGCG[1] on transcript NM_172107.4 (MANE Select); one copy of the 9-base unit GCGCGGGCG starting at c.173; the reference has two copies in a row; one copy, 9 bases deleted.
Protein change: p.Gly61_Gly63del.
Genome position (GRCh38, 1-based): chr20:63,472,274-63,472,282, CGCCCGCGC deleted on the plus strand (GCGCGGGCG on the coding strand, the reverse complement: KCNQ2 is on the minus strand); deleting any 9 consecutive bases within chr20:63,472,274-63,472,291 gives the same sequence; the position shown is the placement nearest the transcript's 3' end. VCF-style (leftmost placement, unchanged base first): chr20-63472273-GCGCCCGCGC-G. GRCh37 (hg19) VCF-style: chr20-62103626-GCGCCCGCGC-G.
Other names: c.173GCGCGGGCG[1], p.Gly61_Gly63del (NM_001382235.1, NM_004518.6, NM_172106.3 and 2 more transcripts).
Identifiers: ClinVar variation 3686509 (VCV003686509.2).
Genomic context (GRCh38, chr20:63,472,273, plus strand): 5'-ACGTTGTAGAGGAAATTCTGCAGCTTGCGGTAGAAGGCGTTGCGCTTGGGGGGCTTCCCG[GCGCCCGCGC>G]CGCCCGCGCGAGGTTTGCTGAGGATGCTGCCGCGCTTGGGGGCCTCGGAGCCGGCGATCA-3'

ClinVar aggregate classification (germline): Uncertain significance (1 of 4 stars; one submission).

Conditions:
Early-infantile DEE. Also called: Ohtahara syndrome; Early infantile epileptic encephalopathy with suppression bursts; Early infantile epileptic encephalopathy. Identifiers: Orphanet 1934, MedGen C0393706, MONDO:0800491.

Submission:

Labcorp Genetics (formerly Invitae), Labcorp
Classification: Uncertain significance for Early-infantile DEE. Last evaluated: 2025-01-06. Review status: criteria provided, single submitter. Criteria: Invitae Variant Classification Sherloc (09022015). Collection method: clinical testing. Allele origin: germline.
Comment: This variant, c.182_190del, results in the deletion of 3 amino acid(s) of the KCNQ2 protein (p.Gly61_Gly63del), but otherwise preserves the integrity of the reading frame. This variant is not present in population databases (gnomAD no frequency). This variant has not been reported in the literature in individuals affected with KCNQ2-related conditions. Experimental studies and prediction algorithms are not available or were not evaluated, and the functional significance of this variant is currently unknown. In summary, the available evidence is currently insufficient to determine the role of this variant in disease. Therefore, it has been classified as a Variant of Uncertain Significance.